The following is an entry in ClinVar:

ClinVar aggregate classification (germline): Conflicting classifications of pathogenicity. Review status: criteria provided, conflicting classifications (1 of 4 stars). 12 submissions from 12 submitters: Uncertain significance (3); Likely benign (8). 1 of the submissions does not count toward it. Last evaluated 2026-05-15.

Conditions:
TSC2-related disorder. Also called: TSC2-Related Disorders; TSC2-related condition.
Hereditary cancer-predisposing syndrome. Also called: Neoplastic Syndromes, Hereditary; Tumor predisposition; Hereditary Cancer Syndrome; Hereditary neoplastic syndrome. Identifiers: Orphanet 140162, MedGen C0027672, MeSH D009386, MONDO:0015356.
Tuberous sclerosis syndrome (TSC). Also called: Tuberous Sclerosis Complex; Tuberous sclerosis. Identifiers: Orphanet 805, MedGen C0041341, MONDO:0001734.
Tuberous sclerosis 2 (TSC2). Identifiers: Orphanet 805, MedGen C1860707, MONDO:0013199, OMIM 613254.

Allele frequency attached by ClinVar (database versions not stated): ExAC 0.00005; gnomAD 0.00005; TOPMed 0.00005; ESP Exome Variant Server 0.00008.
gnomAD v4.1: 76 of 1,613,050 alleles (0.0047%); highest among the groups gnomAD compares: Middle Eastern, 0.016%; no homozygotes.

Submissions (12):

Women's Health and Genetics/Laboratory Corporation of America, LabCorp
Classification: Likely benign. Last evaluated: 2026-05-15. Review status: criteria provided, single submitter. Criteria: LabCorp Variant Classification Summary - May 2015. Collection method: clinical testing. Allele origin: germline.
Comment: Variant summary: Variant summary: TSC2 c.1820C>T (p.Ala607Val) results in a non-conservative amino acid change in the encoded protein sequence. Four of five in-silico tools predict a damaging effect of the variant on protein function. The variant allele was found at a frequency of 4e-05 in 250358 control chromosomes. This frequency is not significantly higher than estimated for a pathogenic variant in TSC2 causing Tuberous Sclerosis Complex (4e-05 vs 6.9e-05), allowing no conclusion about variant significance. However, internal scoring rules have determined that the number of unaffected individuals with this variant is inconsistent with the early onset/high penetrance of TSC2-related conditions. To our knowledge, no occurrence of c.1820C>T in individuals affected with Tuberous Sclerosis Complex and no experimental evidence demonstrating its impact on protein function have been reported. ClinVar contains an entry for this variant (Variation ID: 135372). Based on the evidence outlined above, the variant was classified as likely benign.

PreventionGenetics, part of Exact Sciences
Classification: Likely benign for TSC2-related condition. Last evaluated: 2026-05-03. Review status: criteria provided, single submitter. Criteria: ACMG Guidelines, 2015. Collection method: clinical testing. Allele origin: germline.
Comment: This variant is classified as likely benign based on ACMG/AMP sequence variant interpretation guidelines (Richards et al. 2015 PMID: 25741868, with internal and published modifications).

Labcorp Genetics (formerly Invitae), Labcorp
Classification: Likely benign for Tuberous sclerosis 2. Last evaluated: 2026-02-01. Review status: criteria provided, single submitter. Criteria: Invitae Variant Classification Sherloc (09022015). Collection method: clinical testing. Allele origin: germline.

Myriad Genetics, Inc.
Classification: Likely benign for Tuberous sclerosis 2. Last evaluated: 2025-05-15. Review status: criteria provided, single submitter. Criteria: Myriad Autosomal Dominant, Autosomal Recessive and X-Linked Classification Criteria (2023). Collection method: clinical testing. Allele origin: unknown.
Comment: This variant is considered likely benign. This variant has been observed at a population frequency that is significantly greater than expected given the associated disease prevalence and penetrance.

All of Us Research Program, National Institutes of Health
Classification: Uncertain significance for Tuberous sclerosis syndrome. Last evaluated: 2024-09-23. Review status: criteria provided, single submitter. Criteria: ACMG Guidelines, 2015. Collection method: clinical testing. Allele origin: germline. Inheritance: Autosomal dominant inheritance. Observed: 25 variant alleles, 25 heterozygotes.
Comment: This missense variant replaces alanine with valine at codon 607 of the TSC2 protein. Computational prediction is inconclusive regarding the impact of this variant on protein structure and function (internally defined REVEL score threshold 0.5 < inconclusive < 0.7, PMID: 27666373). To our knowledge, functional studies have not been reported for this variant. This variant has not been reported in individuals affected with tuberous sclerosis complex in the literature. This variant has been identified in 12/281766 chromosomes in the general population by the Genome Aggregation Database (gnomAD). The available evidence is insufficient to determine the role of this variant in disease conclusively. Therefore, this variant is classified as a Variant of Uncertain Significance.

This study involves interpretation of variants in research participants for the purpose of population health screening. Participant phenotype was not available at the time of variant classification. Additional details can be found in publication PMID: 35346344, PMCID: PMC8962531

Revvity Omics, Revvity
Classification: Uncertain significance for Tuberous sclerosis 2. Last evaluated: 2024-09-23. Review status: criteria provided, single submitter. Criteria: ACMG Guidelines, 2015. Collection method: clinical testing. Allele origin: germline.

Color Diagnostics, LLC DBA Color Health
Classification: Uncertain significance for Tuberous sclerosis syndrome. Last evaluated: 2024-05-15. Review status: criteria provided, single submitter. Criteria: ACMG Guidelines, 2015. Collection method: clinical testing. Allele origin: germline.
Comment: This missense variant replaces alanine with valine at codon 607 of the TSC2 protein. Computational prediction is inconclusive regarding the impact of this variant on protein structure and function. To our knowledge, functional studies have not been reported for this variant. This variant has not been reported in individuals affected with tuberous sclerosis complex in the literature. This variant has been identified in 12/281766 chromosomes in the general population by the Genome Aggregation Database (gnomAD). The available evidence is insufficient to determine the role of this variant in disease conclusively. Therefore, this variant is classified as a Variant of Uncertain Significance.

Sema4
Classification: Likely benign for Hereditary cancer-predisposing syndrome. Last evaluated: 2021-11-19. Review status: criteria provided, single submitter. Criteria: Sema4 Curation Guidelines. Collection method: curation. Allele origin: germline.

Genome-Nilou Lab
Classification: Likely benign for Tuberous sclerosis 2. Last evaluated: 2021-11-07. Review status: criteria provided, single submitter. Criteria: ACMG Guidelines, 2015. Collection method: clinical testing. Allele origin: germline. Affected: no.

GeneDx
Classification: Likely benign. Last evaluated: 2019-11-13. Review status: criteria provided, single submitter. Criteria: GeneDx Variant Classification Process June 2021. Collection method: clinical testing. Allele origin: germline. Affected: yes.
Comment: This variant is associated with the following publications: (PMID: 24728327, 26691941)

Ambry Genetics
Classification: Likely benign for Hereditary cancer-predisposing syndrome. Last evaluated: 2019-09-19. Review status: criteria provided, single submitter. Criteria: Ambry Variant Classification Scheme 2023. Collection method: clinical testing. Allele origin: germline.

ITMI
No classification provided. Condition: AllHighlyPenetrant. Last evaluated: 2013-09-19. Review status: no classification provided. Collection method: reference population. Allele origin: germline. Not counted in ClinVar's aggregate classification.
Comment: Please see associated publication for description of ethnicities

Literature cited by the submitters: PubMed 18854862 (cited by Ambry Genetics); PubMed 24728327 (cited by ITMI).

NM_000548.5(TSC2):c.1820C>T (p.Ala607Val)

Gene: TSC2 (TSC complex subunit 2; plus strand). Cytogenetic location: 16p13.3.
Variant type: single nucleotide variant.
Coding change: c.1820C>T on transcript NM_000548.5 (MANE Select); coding-DNA position 1820, C replaced by T.
Protein change: p.Ala607Val; replaces alanine 607 with valine.
Molecular consequence: missense variant.
Genome position (GRCh38, 1-based): chr16:2,070,559, C>T. VCF-style: chr16-2070559-C-T. GRCh37 (hg19) VCF-style: chr16-2120560-C-T.
Other names: c.1820C>T, p.Ala607Val (NM_001077183.3, NM_001114382.3, NM_001363528.2 and 3 more transcripts); c.1709C>T, p.Ala570Val (NM_001318827.2); c.1673C>T, p.Ala558Val (NM_001318829.2); c.1220C>T, p.Ala407Val (NM_001318831.2); c.1853C>T, p.Ala618Val (NM_001318832.2); short protein forms A607V, A570V, A407V, A618V, A558V.
Identifiers: ClinVar variation 135372 (VCV000135372.41), dbSNP rs397515296, ClinGen allele CA015881.